The following is an entry in ClinVar:

NM_007294.4(BRCA1):c.4676-2A>C

Gene: BRCA1 (BRCA1 DNA repair associated; minus strand). Cytogenetic location: 17q21.31.
Variant type: single nucleotide variant.
Coding change: c.4676-2A>C on transcript NM_007294.4 (MANE Select); the canonical splice acceptor site of the intron before coding-DNA position 4676, A replaced by C.
Molecular consequence: splice acceptor variant. On other transcripts: intron variant (1).
Genome position (GRCh38, 1-based): chr17:43,071,240, T>G on the plus strand (A>C on the coding strand, the complement: BRCA1 is on the minus strand). VCF-style: chr17-43071240-T-G. GRCh37 (hg19) VCF-style: chr17-41223257-T-G.
Other names: c.4535-2A>C (NM_001407698.1, NM_001407942.1, NM_001407694.1 and 13 more transcripts); c.1286-2A>C (NM_001408413.1, NM_001408416.1, NM_001408414.1 and 2 more transcripts); c.4592-2A>C (NM_001407660.1, NM_001407661.1, NM_001407663.1 and 2 more transcripts); c.1163-2A>C (NM_001408476.1, NM_001408475.1); c.1166-2A>C (NM_001408474.1); c.4475-2A>C (NM_001407862.1); c.1355-2A>C (NM_001408409.1); c.4595-2A>C (NM_001407658.1, NM_001407656.1, NM_001407657.1); and 71 more.
Identifiers: ClinVar variation 531345 (VCV000531345.8), dbSNP rs80358096, ClinGen allele CA10592158.

ClinVar aggregate classification (germline): Likely pathogenic. Review status: criteria provided, single submitter (1 of 4 stars). 2 submissions from 2 submitters: Likely pathogenic (1). 1 of the submissions does not count toward it. Last evaluated 2017-11-18.

Conditions:
Hereditary breast ovarian cancer syndrome. Also called: Breast and ovarian cancer; Hereditary breast and/or ovarian cancer syndrome; BRCA1- and BRCA2-Associated Hereditary Breast and Ovarian Cancer; Hereditary breast and ovarian cancer syndrome; Hereditary breast and ovarian cancer syndrome (HBOC); Hereditary breast and ovarian cancer. Identifiers: Orphanet 145, MedGen C0677776, MeSH D061325, MONDO:0003582. Disease mechanism: loss of function.
Breast-ovarian cancer, familial, susceptibility to, 1 (BROVCA1). Also called: BRCA1 Hereditary Breast and Ovarian Cancer; OVARIAN CANCER, SUSCEPTIBILITY TO. Identifiers: Orphanet 145, MedGen C2676676, MONDO:0011450, OMIM 604370. Disease mechanism: loss of function.

Submissions (2):

Labcorp Genetics (formerly Invitae), Labcorp
Classification: Likely pathogenic for Hereditary breast ovarian cancer syndrome. Last evaluated: 2017-11-18. Review status: criteria provided, single submitter. Criteria: Invitae Variant Classification Sherloc (09022015). Collection method: clinical testing. Allele origin: germline.
Comment: Algorithms developed to predict the effect of sequence changes on RNA splicing suggest that this variant may disrupt the consensus splice site, but this prediction has not been confirmed by published transcriptional studies. This variant is not present in population databases (ExAC no frequency). This variant has not been reported in the literature in individuals with BRCA1-related disease. This sequence change affects an acceptor splice site in intron 14 of the BRCA1 gene. It is expected to disrupt RNA splicing and likely results in an absent or disrupted protein product. Donor and acceptor splice site variants typically lead to a loss of protein function (PMID: 16199547), and loss-of-function variants in BRCA1 are known to be pathogenic (PMID: 20104584). In summary, the currently available evidence indicates that the variant is pathogenic, but additional data are needed to prove that conclusively. Therefore, this variant has been classified as Likely Pathogenic.

BRCAlab, Lund University
Classification: Pathogenic for Breast-ovarian cancer, familial, susceptibility to, 1. Last evaluated: 2020-03-02. Review status: no assertion criteria provided. Collection method: clinical testing. Allele origin: germline. Affected: yes. Not counted in ClinVar's aggregate classification.

Literature cited by the submitters: PubMed 16199547 (cited by Labcorp Genetics (formerly Invitae), Labcorp); PubMed 20104584 (cited by Labcorp Genetics (formerly Invitae), Labcorp).